The following is an entry in ClinVar:

NM_001080413.3(NOBOX):c.48G>C (p.Trp16Cys)

Gene: NOBOX (NOBOX oogenesis homeobox; minus strand). Cytogenetic location: 7q35.
Variant type: single nucleotide variant.
Coding change: c.48G>C on transcript NM_001080413.3; coding-DNA position 48, G replaced by C.
Protein change: p.Trp16Cys; replaces tryptophan 16 with cysteine.
Genome position (GRCh38, 1-based): chr7:144,410,180, C>G on the plus strand (G>C on the coding strand, the complement: NOBOX is on the minus strand). VCF-style: chr7-144410180-C-G. GRCh37 (hg19) VCF-style: chr7-144107273-C-G.
Other names: NM_001080413.3:c.48G>C; short protein forms W16C.
Identifiers: ClinVar variation 3251988 (VCV003251988.1), dbSNP rs1165310774.

ClinVar aggregate classification (germline): Uncertain significance (1 of 4 stars; one submission).

Conditions:
Premature ovarian failure 5 (POF5). Identifiers: MedGen C1969060, MONDO:0012689, OMIM 611548.

Allele frequency attached by ClinVar (database versions not stated): gnomAD exomes below 0.00001.
gnomAD v4.1: 1 of 1,571,866 alleles (0.000064%); highest among the groups gnomAD compares: South Asian, 0.0012%; no homozygotes.

Submission:

Diagnostics Services (NGS), CSIR - Centre For Cellular And Molecular Biology
Classification: Uncertain significance for Premature ovarian failure 5. Last evaluated: 2024-06-28. Review status: criteria provided, single submitter. Criteria: ACMG Guidelines, 2015. Collection method: clinical testing. Allele origin: unknown. Affected: yes. Observed: 1 variant allele, 1 heterozygote.
Comment: The c.48G>C variant is not present in publicly available population databases like 1000 Genomes, EVS, ExAC, gnomAD, Indian Exome Database or our in-house exome database. This variant has neither been published in literature with NOBOX-related conditions nor reported to the clinical databases like Human Genome Mutation Database (HGMD), ClinVar or OMIM, in any affected individuals. In-silico pathogenicity prediction programs like SIFT, CADD etc predicted this variant to be likely deleterious, however these predictions were not confirmed by published functional studies.